The following is an entry in ClinVar:

ClinVar aggregate classification (germline): Pathogenic (1 of 4 stars; one submission).

Conditions:
Renal cysts and diabetes syndrome (RCAD). Also called: Familial hypoplastic, glomerulocystic kidney; MATURITY-ONSET DIABETES OF THE YOUNG, TYPE 5. Identifiers: Orphanet 93111, MedGen C0431693, MONDO:0007669, OMIM 137920.

Submission:

Institute of Human Genetics, FAU Erlangen, Friedrich-Alexander-Universität Erlangen-Nürnberg
Classification: Pathogenic for Renal cysts and diabetes syndrome. Last evaluated: 2019-07-06. Review status: criteria provided, single submitter. Criteria: ACMG Guidelines, 2015. Collection method: literature only. Allele origin: germline. Affected: yes.
Comment: This variant and it's classification has been reported by Vasileiou et al. 2019; DOI:10.1101/576918. The variants has previously been reported in PMID:28420700 as "c.484del,p.Thr162fs" with clinical significance Pathogenic. It has been re-classified using InterVar and manual curation as Pathogenic based on PVS1 PM2 PP3.

Literature cited by the submitters: PubMed 28420700; DOI 10.1101/576918.

NM_000458.4(HNF1B):c.484del (p.Thr162fs)

Gene: HNF1B (HNF1 homeobox B; minus strand). Cytogenetic location: 17q12.
Variant type: Deletion.
Coding change: c.484del on transcript NM_000458.4 (MANE Select); coding-DNA position 484, one base deleted (A; older notation c.484delA).
Protein change: p.Thr162fs; shifts the reading frame from threonine 162.
Molecular consequence: frameshift variant.
Genome position (GRCh38, 1-based): chr17:37,739,500, T deleted on the plus strand (A on the coding strand, the reverse complement: HNF1B is on the minus strand). VCF-style (leftmost placement, unchanged base first): chr17-37739499-GT-G. GRCh37 (hg19) VCF-style: chr17-36099490-GT-G.
Other names: c.484del, p.Thr162fs (NM_001165923.4, NM_001304286.2); short protein forms T162fs.
Identifiers: ClinVar variation 635687 (VCV000635687.1), dbSNP rs2511828716, ClinGen allele CA913190792.